The following is an entry in ClinVar:

ClinVar aggregate classification (germline): Uncertain significance (1 of 4 stars; one submission).

gnomAD v4.1: 2 of 1,614,088 alleles (0.00012%); highest among the groups gnomAD compares: Non-Finnish European, 0.00017%; no homozygotes.

Submission:

Labcorp Genetics (formerly Invitae), Labcorp
Classification: Uncertain significance. Last evaluated: 2022-10-25. Review status: criteria provided, single submitter. Criteria: Invitae Variant Classification Sherloc (09022015). Collection method: clinical testing. Allele origin: germline.
Comment: This variant has not been reported in the literature in individuals affected with CERKL-related conditions. In summary, the available evidence is currently insufficient to determine the role of this variant in disease. Therefore, it has been classified as a Variant of Uncertain Significance. Advanced modeling of protein sequence and biophysical properties (such as structural, functional, and spatial information, amino acid conservation, physicochemical variation, residue mobility, and thermodynamic stability) performed at Invitae indicates that this missense variant is not expected to disrupt CERKL protein function. ClinVar contains an entry for this variant (Variation ID: 1488347). This variant is not present in population databases (gnomAD no frequency). This sequence change replaces leucine, which is neutral and non-polar, with histidine, which is basic and polar, at codon 341 of the CERKL protein (p.Leu341His).

NM_201548.5(CERKL):c.944T>A (p.Leu315His)

Gene: CERKL (ceramide kinase like; minus strand). Cytogenetic location: 2q31.3.
Variant type: single nucleotide variant.
Coding change: c.944T>A on transcript NM_201548.5 (MANE Select); coding-DNA position 944, T replaced by A.
Protein change: p.Leu315His; replaces leucine 315 with histidine.
Molecular consequence: missense variant. On other transcripts: non-coding transcript variant (2).
Genome position (GRCh38, 1-based): chr2:181,548,809, A>T on the plus strand (T>A on the coding strand, the complement: CERKL is on the minus strand). VCF-style: chr2-181548809-A-T. GRCh37 (hg19) VCF-style: chr2-182413536-A-T.
Other names: c.1022T>A, p.Leu341His (NM_001030311.3); c.605T>A, p.Leu202His (NM_001030312.3); c.737T>A, p.Leu246His (NM_001030313.3); c.890T>A, p.Leu297His (NM_001160277.2); short protein forms L341H, L315H, L202H, L246H, L297H.
Identifiers: ClinVar variation 1488347 (VCV001488347.4), dbSNP rs1340705663, ClinGen allele CA349737296.
Genomic context (GRCh38, chr2:181,548,809, plus strand): 5'-TCTGCCAGAGCCAAAGTTCTTCCACCAAAGCCAAACATGGCTGAGAACCCAAAGCGAAGA[A>T]GCTTGCCAGCGGTGCTGAAGGTGCAGACGTCGACCAGCTGTACATGCCCTTGAATATTAC-3'
Protein context (NP_963842.1, residues 305-325): DVCTFSTAGK[Leu315His]LRFGFSAMFG